The following is an entry in ClinVar:

NM_024876.4(COQ8B):c.521A>G (p.His174Arg)

Gene: COQ8B (coenzyme Q8B; minus strand). Cytogenetic location: 19q13.2.
Variant type: single nucleotide variant.
Coding change: c.521A>G on transcript NM_024876.4 (MANE Select); coding-DNA position 521, A replaced by G.
Protein change: p.His174Arg; replaces histidine 174 with arginine.
Molecular consequence: missense variant.
Genome position (GRCh38, 1-based): chr19:40,705,151, T>C on the plus strand (A>G on the coding strand, the complement: COQ8B is on the minus strand). VCF-style: chr19-40705151-T-C. GRCh37 (hg19) VCF-style: chr19-41211056-T-C.
Other names: c.398A>G, p.His133Arg (NM_001142555.3); short protein forms H174R, H133R.
Identifiers: ClinVar variation 379939 (VCV000379939.16), dbSNP rs3865452, ClinGen allele CA9450380.

ClinVar aggregate classification (germline): Benign. Review status: criteria provided, multiple submitters, no conflicts (2 of 4 stars). 6 submissions from 6 submitters: Benign (5). 1 of the submissions does not count toward it. Last evaluated 2026-02-03.

Allele frequency attached by ClinVar (database versions not stated): ESP Exome Variant Server 0.45248; TOPMed 0.47039; 1000 Genomes Project 30x 0.47158; gnomAD 0.47243 and 0.47603; 1000 Genomes Project 0.47744; gnomAD exomes 0.50317 and 0.51029; ExAC 0.50847.

Submissions (6):

Labcorp Genetics (formerly Invitae), Labcorp
Classification: Benign. Last evaluated: 2026-02-03. Review status: criteria provided, single submitter. Criteria: Invitae Variant Classification Sherloc (09022015). Collection method: clinical testing. Allele origin: germline.

Blueprint Genetics
Classification: Benign. Last evaluated: 2024-11-28. Review status: criteria provided, single submitter. Criteria: ACMG Guidelines, 2015. Collection method: clinical testing. Allele origin: germline.

Unidad de Genómica Garrahan, Hospital de Pediatría Garrahan
Classification: Benign. Last evaluated: 2024-07-15. Review status: criteria provided, single submitter. Criteria: ACMG Guidelines, 2015. Collection method: clinical testing. Allele origin: germline. Affected: no. Observed: 79 variant alleles.
Comment: This variant is classified as Benign based on local population frequency. This variant was detected in 85% of patients studied in a panel designed for Epileptic and Developmental Encephalopathy and Progressive Myoclonus Epilepsy. Number of patients: 79. Only high quality variants are reported.

GeneDx
Classification: Benign. Last evaluated: 2015-12-02. Review status: criteria provided, single submitter. Criteria: GeneDx Variant Classification (06012015). Collection method: clinical testing. Allele origin: germline. Affected: yes.
Comment: This variant is considered likely benign or benign based on one or more of the following criteria: it is a conservative change, it occurs at a poorly conserved position in the protein, it is predicted to be benign by multiple in silico algorithms, and/or has population frequency not consistent with disease.

Breakthrough Genomics
Classification: Benign. Review status: criteria provided, single submitter. Criteria: ACMG Guidelines, 2015. Collection method: not provided. Allele origin: germline. Inheritance: Autosomal recessive inheritance. Affected: yes.

Mayo Clinic Laboratories, Mayo Clinic
Classification: Benign. Last evaluated: 2016-02-11. Review status: no assertion criteria provided. Collection method: clinical testing. Allele origin: unknown. Not counted in ClinVar's aggregate classification.